The following is an entry in ClinVar:

ClinVar aggregate classification (germline): Uncertain significance (1 of 4 stars; one submission).

Submission:

GeneDx
Classification: Uncertain significance. Last evaluated: 2023-12-26. Review status: criteria provided, single submitter. Criteria: GeneDx Variant Classification Process June 2021. Collection method: clinical testing. Allele origin: germline. Affected: yes.
Comment: Not observed at significant frequency in large population cohorts (gnomAD); In silico analysis supports a deleterious effect on splicing; Has not been previously published as pathogenic or benign to our knowledge

NM_000085.5(CLCNKB):c.577-12C>A

Genes: CLCNKB (chloride voltage-gated channel Kb; plus strand), LOC106501713 (CLCNKB recombination region; plus strand). Cytogenetic location: 1p36.13.
Variant type: single nucleotide variant.
Coding change: c.577-12C>A on transcript NM_000085.5 (MANE Select); 12 bases into the intron before coding-DNA position 577, C replaced by A.
Molecular consequence: intron variant.
Genome position (GRCh38, 1-based): chr1:16,048,492, C>A. VCF-style: chr1-16048492-C-A. GRCh37 (hg19) VCF-style: chr1-16374987-C-A.
Identifiers: ClinVar variation 3370033 (VCV003370033.1).